The following is an entry in ClinVar:

NM_001903.5(CTNNA1):c.1731G>A (p.Lys577=)

Gene: CTNNA1 (catenin alpha 1; plus strand). Cytogenetic location: 5q31.2.
Variant type: single nucleotide variant.
Coding change: c.1731G>A on transcript NM_001903.5 (MANE Select); coding-DNA position 1731, G replaced by A.
Protein change: p.Lys577=; no amino-acid change (lysine 577 retained).
Molecular consequence: synonymous variant.
Genome position (GRCh38, 1-based): chr5:138,924,694, G>A. VCF-style: chr5-138924694-G-A. GRCh37 (hg19) VCF-style: chr5-138260383-G-A.
Other names: c.1731G>A, p.Lys577= (NM_001290307.3, NM_001323982.2, NM_001323983.1 and 2 more transcripts); c.1422G>A, p.Lys474= (NM_001290309.3); c.1362G>A, p.Lys454= (NM_001290310.3); c.621G>A, p.Lys207= (NM_001290312.1, NM_001323987.1, NM_001323988.1 and 17 more transcripts); c.1638G>A, p.Lys546= (NM_001323986.2); c.282G>A, p.Lys94= (NM_001324006.1, NM_001324007.1, NM_001324008.1 and 2 more transcripts); c.528G>A, p.Lys176= (NM_001324011.1); c.378G>A, p.Lys126= (NM_001324012.1, NM_001324013.1); and 1 more.
Identifiers: ClinVar variation 1152473 (VCV001152473.11), dbSNP rs746759013, ClinGen allele CA128217065.

ClinVar aggregate classification (germline): Benign/Likely benign. Review status: criteria provided, multiple submitters, no conflicts (2 of 4 stars). 3 submissions from 3 submitters: Benign (1); Likely benign (2). Last evaluated 2025-12-14.

Conditions:
Hereditary cancer-predisposing syndrome. Also called: Hereditary Cancer Syndrome; Hereditary neoplastic syndrome; Neoplastic Syndromes, Hereditary; Tumor predisposition. Identifiers: Orphanet 140162, MedGen C0027672, MeSH D009386, MONDO:0015356.
Hereditary diffuse gastric adenocarcinoma (HDGC). Also called: DIFFUSE GASTRIC AND LOBULAR BREAST CANCER SYNDROME. Identifiers: Orphanet 26106, MedGen C1708349, MONDO:0007648, OMIM 137215.

Allele frequency attached by ClinVar (database versions not stated): gnomAD exomes 0.00001; TOPMed 0.00001.
gnomAD v4.1: 11 of 1,580,638 alleles (0.0007%); highest among the groups gnomAD compares: East Asian, 0.0023%; no homozygotes.

Submissions (3):

Ambry Genetics
Classification: Likely benign for Hereditary cancer-predisposing syndrome. Last evaluated: 2025-12-14. Review status: criteria provided, single submitter. Criteria: Ambry Variant Classification Scheme 2023. Collection method: clinical testing. Allele origin: germline.

Labcorp Genetics (formerly Invitae), Labcorp
Classification: Likely benign. Last evaluated: 2025-05-28. Review status: criteria provided, single submitter. Criteria: Invitae Variant Classification Sherloc (09022015). Collection method: clinical testing. Allele origin: germline.

Myriad Genetics, Inc.
Classification: Benign for Hereditary diffuse gastric adenocarcinoma. Last evaluated: 2024-10-11. Review status: criteria provided, single submitter. Criteria: Myriad Autosomal Dominant, Autosomal Recessive and X-Linked Classification Criteria (2023). Collection method: clinical testing. Allele origin: unknown.
Comment: This variant is considered benign. This variant is a silent/synonymous amino acid change and it is not expected to impact splicing.